The following is an entry in ClinVar:

ClinVar aggregate classification (germline): Uncertain significance (1 of 4 stars; one submission).

Conditions:
Menkes kinky-hair syndrome (MNK). Also called: Copper transport disease; Menkes Disease; Classic Menkes Disease. Identifiers: Orphanet 565, MedGen C0022716, MONDO:0010651, OMIM 309400.
X-linked distal spinal muscular atrophy type 3. Also called: ATP7A-Related Distal Motor Neuropathy; SPINAL MUSCULAR ATROPHY, DISTAL, X-LINKED RECESSIVE; NEURONOPATHY, DISTAL HEREDITARY MOTOR, X-LINKED; NEUROPATHY, DISTAL HEREDITARY MOTOR, X-LINKED. Identifiers: Orphanet 139557, MedGen C1845359, MONDO:0010338, OMIM 300489.
Cutis laxa, X-linked (OHS). Also called: EDS IX; Occipital horn syndrome. Identifiers: Orphanet 198, MedGen C0268353, MONDO:0010572, OMIM 304150.

Submission:

Labcorp Genetics (formerly Invitae), Labcorp
Classification: Uncertain significance for X-linked distal spinal muscular atrophy type 3; Cutis laxa, X-linked; Menkes kinky-hair syndrome. Last evaluated: 2025-01-23. Review status: criteria provided, single submitter. Criteria: Invitae Variant Classification Sherloc (09022015). Collection method: clinical testing. Allele origin: germline.
Comment: This sequence change replaces proline, which is neutral and non-polar, with serine, which is neutral and polar, at codon 663 of the ATP7A protein (p.Pro663Ser). This variant is not present in population databases (gnomAD no frequency). This variant has not been reported in the literature in individuals affected with ATP7A-related conditions. Invitae Evidence Modeling of protein sequence and biophysical properties (such as structural, functional, and spatial information, amino acid conservation, physicochemical variation, residue mobility, and thermodynamic stability) indicates that this missense variant is expected to disrupt ATP7A protein function with a positive predictive value of 80%. In summary, the available evidence is currently insufficient to determine the role of this variant in disease. Therefore, it has been classified as a Variant of Uncertain Significance.

NM_000052.7(ATP7A):c.1987C>T (p.Pro663Ser)

Gene: ATP7A (ATPase copper transporting alpha; plus strand). Cytogenetic location: Xq21.1.
Variant type: single nucleotide variant.
Coding change: c.1987C>T on transcript NM_000052.7 (MANE Select); coding-DNA position 1987, C replaced by T.
Protein change: p.Pro663Ser; replaces proline 663 with serine.
Molecular consequence: missense variant.
Genome position (GRCh38, 1-based): chrX:78,011,489, C>T. VCF-style: chrX-78011489-C-T. GRCh37 (hg19) VCF-style: chrX-77266986-C-T.
Other names: c.1987C>T, p.Pro663Ser (NM_001282224.2); short protein forms P663S.
Identifiers: ClinVar variation 3760735 (VCV003760735.2).